The following is an entry in ClinVar:

NM_001457.4(FLNB):c.2890T>C (p.Phe964Leu)

Gene: FLNB (filamin B; plus strand). Cytogenetic location: 3p14.3.
Variant type: single nucleotide variant.
Coding change: c.2890T>C on transcript NM_001457.4 (MANE Select); coding-DNA position 2890, T replaced by C.
Protein change: p.Phe964Leu; replaces phenylalanine 964 with leucine.
Molecular consequence: missense variant.
Genome position (GRCh38, 1-based): chr3:58,121,267, T>C. VCF-style: chr3-58121267-T-C. GRCh37 (hg19) VCF-style: chr3-58106994-T-C.
Other names: c.2890T>C, p.Phe964Leu (NM_001164317.2, NM_001164318.2, NM_001164319.2); short protein forms F964L.
Identifiers: ClinVar variation 4737581 (VCV004737581.1).

ClinVar aggregate classification (germline): Uncertain significance (1 of 4 stars; one submission).

gnomAD v4.1: 2 of 1,614,046 alleles (0.00012%); highest among the groups gnomAD compares: Non-Finnish European, 0.00017%; no homozygotes.

Submission:

Labcorp Genetics (formerly Invitae), Labcorp
Classification: Uncertain significance. Last evaluated: 2025-11-18. Review status: criteria provided, single submitter. Criteria: Invitae Variant Classification Sherloc (09022015). Collection method: clinical testing. Allele origin: germline.
Comment: This sequence change replaces phenylalanine, which is neutral and non-polar, with leucine, which is neutral and non-polar, at codon 964 of the FLNB protein (p.Phe964Leu). This variant is not present in population databases (gnomAD no frequency). This missense change has been observed in individual(s) with clinical features of autosomal recessive spondylocarpotarsal synostosis syndrome (PMID: 29095481). Invitae Evidence Modeling of protein sequence and biophysical properties (such as structural, functional, and spatial information, amino acid conservation, physicochemical variation, residue mobility, and thermodynamic stability) indicates that this missense variant is not expected to disrupt FLNB protein function with a negative predictive value of 95%. In summary, the available evidence is currently insufficient to determine the role of this variant in disease. Therefore, it has been classified as a Variant of Uncertain Significance.

Literature cited by the submitters: PubMed 29095481.